The following is an entry in ClinVar:

ClinVar aggregate classification (germline): Uncertain significance (1 of 4 stars; one submission).

Submission:

Labcorp Genetics (formerly Invitae), Labcorp
Classification: Uncertain significance. Last evaluated: 2024-03-16. Review status: criteria provided, single submitter. Criteria: Invitae Variant Classification Sherloc (09022015). Collection method: clinical testing. Allele origin: germline.
Comment: This sequence change falls in intron 3 of the CFH gene. It does not directly change the encoded amino acid sequence of the CFH protein. It affects a nucleotide within the consensus splice site. This variant is not present in population databases (gnomAD no frequency). This variant has not been reported in the literature in individuals affected with CFH-related conditions. Variants that disrupt the consensus splice site are a relatively common cause of aberrant splicing (PMID: 17576681, 9536098). Algorithms developed to predict the effect of sequence changes on RNA splicing suggest that this variant is not likely to affect RNA splicing. In summary, the available evidence is currently insufficient to determine the role of this variant in disease. Therefore, it has been classified as a Variant of Uncertain Significance.

Literature cited by the submitters: PubMed 17576681; PubMed 9536098.

NM_000186.4(CFH):c.350+4T>G

Gene: CFH (complement factor H; plus strand). Cytogenetic location: 1q31.3.
Variant type: single nucleotide variant.
Coding change: c.350+4T>G on transcript NM_000186.4 (MANE Select); 4 bases into the intron after coding-DNA position 350, T replaced by G.
Molecular consequence: intron variant.
Genome position (GRCh38, 1-based): chr1:196,673,966, T>G. VCF-style: chr1-196673966-T-G. GRCh37 (hg19) VCF-style: chr1-196643096-T-G.
Other names: c.350+4T>G (NM_001014975.3).
Identifiers: ClinVar variation 3646254 (VCV003646254.2).